The following is an entry in ClinVar:

ClinVar aggregate classification (germline): Uncertain significance. Review status: criteria provided, single submitter (1 of 4 stars). 2 submissions from 2 submitters: Uncertain significance (1). 1 of the submissions does not count toward it. Last evaluated 2025-10-30.

Conditions:
PCNT-related disorder. Also called: PCNT-related condition.

Allele frequency attached by ClinVar (database versions not stated): ExAC 0.00002; TOPMed 0.00002; gnomAD 0.00003.
gnomAD v4.1: 32 of 1,609,698 alleles (0.002%); highest among the groups gnomAD compares: African/African-American, 0.0067%; 1 homozygote.

Submissions (2):

Women's Health and Genetics/Laboratory Corporation of America, LabCorp
Classification: Uncertain significance. Last evaluated: 2025-10-30. Review status: criteria provided, single submitter. Criteria: LabCorp Variant Classification Summary - May 2015. Collection method: clinical testing. Allele origin: germline.
Comment: Variant summary: PCNT c.7913+5G>A alters a non-conserved nucleotide located close to a canonical splice site and therefore could affect mRNA splicing, leading to a significantly altered protein sequence. Several computational tools predict a significant impact on normal splicing: Two predict the variant abolishes a 5' splicing donor site. Two predict the variant weakens a 5' donor site. However, these predictions have yet to be confirmed by functional studies. The variant allele was found at a frequency of 1.2e-05 in 248908 control chromosomes. The available data on variant occurrences in the general population are insufficient to allow any conclusion about variant significance. To our knowledge, no occurrence of c.7913+5G>A in individuals affected with PCNT-related conditions and no experimental evidence demonstrating its impact on protein function have been reported. ClinVar contains an entry for this variant (Variation ID: 3035012). Based on the evidence outlined above, the variant was classified as uncertain significance.

PreventionGenetics, part of Exact Sciences
Classification: Uncertain significance for PCNT-related condition. Last evaluated: 2024-02-23. Review status: no assertion criteria provided. Collection method: clinical testing. Allele origin: germline. Not counted in ClinVar's aggregate classification.
Comment: The PCNT c.7913+5G>A variant is predicted to interfere with splicing. This variant is predicted to weaken the canonical donor splice site at the junction of exon 36 and intron 36 according to splicing prediction programs (Alamut Visual v2.11; SpliceAI, Jaganathan et al. 2019. PubMed ID: 30661751). However, these prediction programs are not equivalent to functional proof. To our knowledge, this variant has not been reported in the literature. This variant is reported in 0.0033% of alleles in individuals of South Asian descent in gnomAD. At this time, the clinical significance of this variant is uncertain due to the absence of conclusive functional and genetic evidence.

NM_006031.6(PCNT):c.7913+5G>A

Gene: PCNT (pericentrin; plus strand). Cytogenetic location: 21q22.3.
Variant type: single nucleotide variant.
Coding change: c.7913+5G>A on transcript NM_006031.6 (MANE Select); 5 bases into the intron after coding-DNA position 7913, G replaced by A.
Molecular consequence: intron variant.
Genome position (GRCh38, 1-based): chr21:46,430,237, G>A. VCF-style: chr21-46430237-G-A. GRCh37 (hg19) VCF-style: chr21-47850151-G-A.
Other names: c.7559+5G>A (NM_001315529.2).
Identifiers: ClinVar variation 3035012 (VCV003035012.3), dbSNP rs747247084, ClinGen allele CA10080820.